The following is an entry in ClinVar:

ClinVar aggregate classification (germline): Likely pathogenic. Review status: reviewed by expert panel (3 of 4 stars). 2 submissions from 2 submitters: Likely pathogenic (1). 1 of the submissions does not count toward it. Last evaluated 2026-10-15.

Conditions:
Hereditary thrombocytopenia and hematologic cancer predisposition syndrome. Identifiers: Orphanet 71290, MedGen CN281654, MONDO:0011071.
Hereditary thrombocytopenia and hematological cancer predisposition syndrome associated with RUNX1. Also called: PLATELET DISORDER, ASPIRIN-LIKE; Familial Platelet Disorder with Propensity to Acute Myelogenous Leukemia; Familial thrombocytopenia with propensity to acute myelogenous leukemia; RUNX1 Familial Platelet Disorder with Associated Myeloid Malignancies. Identifiers: Orphanet 71290, MedGen C1832388, MeSH C563324, MONDO:0100083, OMIM 601399.

Submissions (2):

ClinGen Myeloid Malignancy Variant Curation Expert Panel
Classification: Likely pathogenic for Hereditary thrombocytopenia and hematologic cancer predisposition syndrome. Last evaluated: 2026-10-15. Review status: reviewed by expert panel. Criteria: ClinGen MyeloMalig ACMG Specifications V3.1. Collection method: curation. Allele origin: germline. Inheritance: Autosomal dominant inheritance.
Comment: The NM_001754.5(RUNX1):c.782dup (p.Gln262SerfsTer338) is a frameshift variant which is not predicted to undergo NMD (PVS1_Strong). This variant is downstream of c.98 (PM5_Supporting) and is completely absent from all population databases with at least 20x coverage for RUNX1 (PM2_Supporting). In summary, this variant meets criteria to be classified as likely pathogenic. ACMG/AMP criteria applied, as specified by the ClinGen Myeloid Malignancy Variant Curation Expert Panel for RUNX1: PVS1_Strong, PM5_Supporting, PM2_Supporting.

Labcorp Genetics (formerly Invitae), Labcorp
Classification: Pathogenic for Hereditary thrombocytopenia and hematological cancer predisposition syndrome associated with RUNX1. Last evaluated: 2022-10-28. Review status: criteria provided, single submitter. Criteria: Invitae Variant Classification Sherloc (09022015). Collection method: clinical testing. Allele origin: germline. Not counted in ClinVar's aggregate classification.
Comment: For these reasons, this variant has been classified as Pathogenic. This variant disrupts a region of the RUNX1 protein in which other variant(s) (p.Arg320*) have been determined to be pathogenic (PMID: 18723428, 22318203, 25840971, 31064749, 32208489; external communications). This suggests that this is a clinically significant region of the protein, and that variants that disrupt it are likely to be disease-causing. This variant has not been reported in the literature in individuals affected with RUNX1-related conditions. This variant is not present in population databases (gnomAD no frequency). This sequence change results in a frameshift in the RUNX1 gene (p.Gln262Serfs*338). While this is not anticipated to result in nonsense mediated decay, it is expected to disrupt the last 219 amino acid(s) of the RUNX1 protein and extend the protein by 118 additional amino acid residues.

Literature cited by the submitters: PubMed 18723428 (cited by Labcorp Genetics (formerly Invitae), Labcorp); PubMed 22318203 (cited by Labcorp Genetics (formerly Invitae), Labcorp); PubMed 25840971 (cited by Labcorp Genetics (formerly Invitae), Labcorp); PubMed 31064749 (cited by Labcorp Genetics (formerly Invitae), Labcorp); PubMed 32208489 (cited by Labcorp Genetics (formerly Invitae), Labcorp).

NM_001754.5(RUNX1):c.782dup (p.Gln262fs)

Gene: RUNX1 (RUNX family transcription factor 1; minus strand). Cytogenetic location: 21q22.12.
Variant type: Duplication.
Coding change: c.782dup on transcript NM_001754.5 (MANE Select); coding-DNA position 782, one base duplicated (C; older notation c.782dupC).
Protein change: p.Gln262fs; shifts the reading frame from glutamine 262.
Molecular consequence: frameshift variant.
Genome position (GRCh38, 1-based): chr21:34,834,433, G duplicated on the plus strand (C on the coding strand, the reverse complement: RUNX1 is on the minus strand); the first of 3 consecutive G bases (chr21:34,834,433-34,834,435); duplicating any one gives the same sequence. VCF-style (leftmost placement, unchanged base first): chr21-34834432-A-AG. GRCh37 (hg19) VCF-style: chr21-36206729-A-AG.
Other names: NM_001754.5(RUNX1):c.782dup; p.Gln262fs; c.701dup, p.Gln235fs (NM_001001890.3, NM_001122607.2); short protein forms Q235fs, Q262fs.
Identifiers: ClinVar variation 2003897 (VCV002003897.6), dbSNP rs2517037994, ClinGen allele CA1611067988.
Genomic context (GRCh38, chr21:34,834,432, plus strand): 5'-GCAGGAGAGGCGGGCAGTGGGCTCCATCTGGTACTTACCCTGCATCTGACTCTGAGGCTG[A>AG]GGGTTAAAGGCAGTGGAGTGGTTCAGGGAGGCACGAGGGTTGGGCGTGGGGGCTGGGTGG-3'